The following is an entry in ClinVar:

ClinVar aggregate classification (germline): Uncertain significance (1 of 4 stars; one submission).

Conditions:
Early-infantile DEE. Also called: Early infantile epileptic encephalopathy; Early infantile epileptic encephalopathy with suppression bursts; Ohtahara syndrome. Identifiers: Orphanet 1934, MedGen C0393706, MONDO:0800491.

Submission:

Labcorp Genetics (formerly Invitae), Labcorp
Classification: Uncertain significance for Early-infantile DEE. Last evaluated: 2025-08-01. Review status: criteria provided, single submitter. Criteria: Invitae Variant Classification Sherloc (09022015). Collection method: clinical testing. Allele origin: germline.
Comment: This sequence change replaces tyrosine, which is neutral and polar, with histidine, which is basic and polar, at codon 706 of the SPTAN1 protein (p.Tyr706His). This variant is not present in population databases (gnomAD no frequency). This variant has not been reported in the literature in individuals affected with SPTAN1-related conditions. Invitae Evidence Modeling of protein sequence and biophysical properties (such as structural, functional, and spatial information, amino acid conservation, physicochemical variation, residue mobility, and thermodynamic stability) has been performed for this missense variant. However, the output from this modeling did not meet the statistical confidence thresholds required to predict the impact of this variant on SPTAN1 protein function. In summary, the available evidence is currently insufficient to determine the role of this variant in disease. Therefore, it has been classified as a Variant of Uncertain Significance.

NM_001130438.3(SPTAN1):c.2116T>C (p.Tyr706His)

Gene: SPTAN1 (spectrin alpha, non-erythrocytic 1; plus strand). Cytogenetic location: 9q34.11.
Variant type: single nucleotide variant.
Coding change: c.2116T>C on transcript NM_001130438.3 (MANE Select); coding-DNA position 2116, T replaced by C.
Protein change: p.Tyr706His; replaces tyrosine 706 with histidine.
Molecular consequence: missense variant.
Genome position (GRCh38, 1-based): chr9:128,583,892, T>C. VCF-style: chr9-128583892-T-C. GRCh37 (hg19) VCF-style: chr9-131346171-T-C.
Other names: c.2116T>C, p.Tyr706His (NM_001195532.2, NM_001363759.2, NM_001363765.2 and 10 more transcripts); c.2152T>C, p.Tyr718His (NM_001375312.2, NM_001375318.1, NM_001438440.1); short protein forms Y706H, Y718H.
Identifiers: ClinVar variation 4801845 (VCV004801845.1).